The following is an entry in ClinVar:

NM_015202.5(KATNIP):c.1743C>A (p.Gly581=)

Gene: KATNIP (katanin interacting protein; plus strand). Cytogenetic location: 16p12.1.
Variant type: single nucleotide variant.
Coding change: c.1743C>A on transcript NM_015202.5 (MANE Select); coding-DNA position 1743, C replaced by A.
Protein change: p.Gly581=; no amino-acid change (glycine 581 retained).
Molecular consequence: synonymous variant.
Genome position (GRCh38, 1-based): chr16:27,721,695, C>A. VCF-style: chr16-27721695-C-A. GRCh37 (hg19) VCF-style: chr16-27733016-C-A.
Identifiers: ClinVar variation 2158890 (VCV002158890.5), dbSNP rs140779565, ClinGen allele CA7977793.
Genomic context (GRCh38, chr16:27,721,695, plus strand): 5'-ACAGCTGGGGGACTTCCATCTGGCCAAGATCAAGGTTCGGAATTACTGGACAGCTGATGG[C>A]GTAAGTAACAGGCGCTGGTTCCCCACTGGGCACTGGGTTGATGGAAGCACTTAGCAGTTT-3'
Protein context (NP_056017.4, residues 571-591): IKVRNYWTAD[Gly581=]DLDIGAKNVK

ClinVar aggregate classification (germline): Conflicting classifications of pathogenicity. Review status: criteria provided, conflicting classifications (1 of 4 stars). 2 submissions from 2 submitters: Uncertain significance (1); Likely benign (1). Last evaluated 2024-09-06.

Allele frequency attached by ClinVar (database versions not stated): ESP Exome Variant Server 0.00031.
gnomAD v4.1: 175 of 1,613,424 alleles (0.011%); highest among the groups gnomAD compares: Non-Finnish European, 0.015%; no homozygotes.

Submissions (2):

Labcorp Genetics (formerly Invitae), Labcorp
Classification: Uncertain significance. Last evaluated: 2024-09-06. Review status: criteria provided, single submitter. Criteria: Invitae Variant Classification Sherloc (09022015). Collection method: clinical testing. Allele origin: germline.
Comment: This sequence change affects codon 581 of the KIAA0556 mRNA. It is a 'silent' change, meaning that it does not change the encoded amino acid sequence of the KIAA0556 protein. It affects a nucleotide within the consensus splice site. This variant is present in population databases (rs140779565, gnomAD 0.006%). This variant has not been reported in the literature in individuals affected with KIAA0556-related conditions. ClinVar contains an entry for this variant (Variation ID: 2158890). Algorithms developed to predict the effect of sequence changes on RNA splicing suggest that this variant is not likely to affect RNA splicing. In summary, the available evidence is currently insufficient to determine the role of this variant in disease. Therefore, it has been classified as a Variant of Uncertain Significance.

Blueprint Genetics
Classification: Likely benign. Last evaluated: 2024-02-09. Review status: criteria provided, single submitter. Criteria: ACMG Guidelines, 2015. Collection method: clinical testing. Allele origin: germline.